The following is an entry in ClinVar:

NM_014694.4(ADAMTSL2):c.2492C>T (p.Thr831Met)

Gene: ADAMTSL2 (ADAMTS like 2; plus strand). Cytogenetic location: 9q34.2.
Variant type: single nucleotide variant.
Coding change: c.2492C>T on transcript NM_014694.4 (MANE Select); coding-DNA position 2492, C replaced by T.
Protein change: p.Thr831Met; replaces threonine 831 with methionine.
Molecular consequence: missense variant.
Genome position (GRCh38, 1-based): chr9:133,570,407, C>T. VCF-style: chr9-133570407-C-T. GRCh37 (hg19) VCF-style: chr9-136435529-C-T.
Other names: c.2492C>T, p.Thr831Met (NM_001145320.2); short protein forms T831M.
Identifiers: ClinVar variation 2458983 (VCV002458983.3), dbSNP rs937350486, ClinGen allele CA375409949.

ClinVar aggregate classification (germline): Uncertain significance. Review status: criteria provided, multiple submitters, no conflicts (2 of 4 stars). 2 submissions from 2 submitters: Uncertain significance (2). Last evaluated 2026-05-18.

Conditions:
Inborn genetic diseases. Identifiers: MedGen C0950123, MeSH D030342.

gnomAD v4.1: 103 of 1,589,674 alleles (0.0065%); highest among the groups gnomAD compares: Admixed American, 0.026%; no homozygotes.

Submissions (2):

Women's Health and Genetics/Laboratory Corporation of America, LabCorp
Classification: Uncertain significance. Last evaluated: 2026-05-18. Review status: criteria provided, single submitter. Criteria: LabCorp Variant Classification Summary - May 2015. Collection method: clinical testing. Allele origin: germline.
Comment: Variant summary: ADAMTSL2 c.2492C>T (p.Thr831Met) results in a non-conservative amino acid change in the encoded protein sequence. Algorithms developed to predict the effect of missense changes on protein structure and function are either unavailable or do not agree on the potential impact of this missense change. The frequency of this variant in the general population could not be determined as the technology used for large population databases (ExAC, gnomAD, ESP, 1000G) cannot detect variants of this type. The available data on variant occurrences in the general population are insufficient to allow any conclusion about variant significance. To our knowledge, no occurrence of c.2492C>T in individuals affected with ADAMTSL2-related conditions and no experimental evidence demonstrating its impact on protein function have been reported. ClinVar contains an entry for this variant (Variation ID: 2458983). Based on the evidence outlined above, the variant was classified as uncertain significance.

Ambry Genetics
Classification: Uncertain significance for Inborn genetic diseases. Last evaluated: 2023-01-26. Review status: criteria provided, single submitter. Criteria: Ambry Variant Classification Scheme 2023. Collection method: clinical testing. Allele origin: germline.